The following is an entry in ClinVar:

ClinVar aggregate classification (germline): Uncertain significance (1 of 4 stars; one submission).

gnomAD v4.1: 9 of 1,611,708 alleles (0.00056%); highest among the groups gnomAD compares: South Asian, 0.0099%; no homozygotes.

Submission:

Mayo Clinic Laboratories, Mayo Clinic
Classification: Uncertain significance. Last evaluated: 2023-11-15. Review status: criteria provided, single submitter. Criteria: ACMG Guidelines, 2015. Collection method: clinical testing. Allele origin: germline. Observed: 1 variant allele.
Comment: PP3, PM2_moderate

NM_000182.5(HADHA):c.299C>G (p.Ala100Gly)

Gene: HADHA (hydroxyacyl-CoA dehydrogenase trifunctional multienzyme complex subunit alpha; minus strand). Cytogenetic location: 2p23.3.
Variant type: single nucleotide variant.
Coding change: c.299C>G on transcript NM_000182.5 (MANE Select); coding-DNA position 299, C replaced by G.
Protein change: p.Ala100Gly; replaces alanine 100 with glycine.
Molecular consequence: missense variant.
Genome position (GRCh38, 1-based): chr2:26,236,870, G>C on the plus strand (C>G on the coding strand, the complement: HADHA is on the minus strand). VCF-style: chr2-26236870-G-C. GRCh37 (hg19) VCF-style: chr2-26459738-G-C.
Other names: p.Ala100Gly; short protein forms A100G.
Identifiers: ClinVar variation 3380794 (VCV003380794.1).